The following is an entry in ClinVar:

NM_031935.3(HMCN1):c.15101del (p.Ser5034fs)

Gene: HMCN1 (hemicentin 1; plus strand). Cytogenetic location: 1q31.1.
Variant type: Deletion.
Coding change: c.15101del on transcript NM_031935.3 (MANE Select); coding-DNA position 15101, one base deleted (G; older notation c.15101delG).
Protein change: p.Ser5034fs; shifts the reading frame from serine 5034.
Molecular consequence: frameshift variant.
Genome position (GRCh38, 1-based): chr1:186,153,832, G deleted. VCF-style (leftmost placement, unchanged base first): chr1-186153831-AG-A. GRCh37 (hg19) VCF-style: chr1-186122963-AG-A.
Other names: short protein forms S5034fs.
Identifiers: ClinVar variation 2810627 (VCV002810627.3), dbSNP rs2528161515, ClinGen allele CA2739275488.

ClinVar aggregate classification (germline): Uncertain significance (1 of 4 stars; one submission).

Submission:

Labcorp Genetics (formerly Invitae), Labcorp
Classification: Uncertain significance. Last evaluated: 2022-10-29. Review status: criteria provided, single submitter. Criteria: Invitae Variant Classification Sherloc (09022015). Collection method: clinical testing. Allele origin: germline.
Comment: This sequence change creates a premature translational stop signal (p.Ser5034Thrfs*38) in the HMCN1 gene. It is expected to result in an absent or disrupted protein product. However, the current clinical and genetic evidence is not sufficient to establish whether loss-of-function variants in HMCN1 cause disease. This variant is not present in population databases (gnomAD no frequency). This variant has not been reported in the literature in individuals affected with HMCN1-related conditions. Experimental studies and prediction algorithms are not available or were not evaluated, and the functional significance of this variant is currently unknown. In summary, the available evidence is currently insufficient to determine the role of this variant in disease. Therefore, it has been classified as a Variant of Uncertain Significance.